The following is an entry in ClinVar:

NM_145207.3(AFG2A):c.2456T>C (p.Val819Ala)

Gene: AFG2A (AAA ATPase AFG2A; plus strand). Cytogenetic location: 4q28.1.
Variant type: single nucleotide variant.
Coding change: c.2456T>C on transcript NM_145207.3 (MANE Select); coding-DNA position 2456, T replaced by C.
Protein change: p.Val819Ala; replaces valine 819 with alanine.
Molecular consequence: missense variant.
Genome position (GRCh38, 1-based): chr4:123,256,131, T>C. VCF-style: chr4-123256131-T-C. GRCh37 (hg19) VCF-style: chr4-124177286-T-C.
Other names: c.2453T>C, p.Val818Ala (NM_001345856.2); short protein forms V819A, V818A.
Identifiers: ClinVar variation 548622 (VCV000548622.8), dbSNP rs149604630, ClinGen allele CA3070735.

ClinVar aggregate classification (germline): Conflicting classifications of pathogenicity. Review status: criteria provided, conflicting classifications (1 of 4 stars). 3 submissions from 3 submitters: Likely pathogenic (1); Uncertain significance (2). Last evaluated 2023-11-05.

Conditions:
Microcephaly-intellectual disability-sensorineural hearing loss-epilepsy-abnormal muscle tone syndrome (NEDHSB). Also called: NEURODEVELOPMENTAL DISORDER WITH HEARING LOSS, SEIZURES, AND BRAIN ABNORMALITIES. Identifiers: Orphanet 457351, MedGen C4225276, MONDO:0014698, OMIM 616577.

Allele frequency attached by ClinVar (database versions not stated): ExAC 0.00002; gnomAD exomes 0.00002 and 0.00003; TOPMed 0.00002; gnomAD 0.00003; ESP Exome Variant Server 0.00008; 1000 Genomes Project 30x 0.00016; 1000 Genomes Project 0.00020.
gnomAD v4.1: 51 of 1,614,076 alleles (0.0032%); highest among the groups gnomAD compares: African/African-American, 0.0053%; no homozygotes.

Submissions (3):

GeneDx
Classification: Likely pathogenic. Last evaluated: 2023-11-05. Review status: criteria provided, single submitter. Criteria: GeneDx Variant Classification Process June 2021. Collection method: clinical testing. Allele origin: germline. Affected: yes.
Comment: In silico analysis supports that this missense variant has a deleterious effect on protein structure/function; Not observed at significant frequency in large population cohorts (gnomAD); This variant is associated with the following publications: (PMID: 31130284)

Labcorp Genetics (formerly Invitae), Labcorp
Classification: Uncertain significance for Microcephaly-intellectual disability-sensorineural hearing loss-epilepsy-abnormal muscle tone syndrome. Last evaluated: 2021-08-27. Review status: criteria provided, single submitter. Criteria: Invitae Variant Classification Sherloc (09022015). Collection method: clinical testing. Allele origin: germline.
Comment: This sequence change replaces valine with alanine at codon 819 of the SPATA5 protein (p.Val819Ala). The valine residue is moderately conserved and there is a small physicochemical difference between valine and alanine. This variant is present in population databases (rs149604630, ExAC 0.01%). This variant has not been reported in the literature in individuals affected with SPATA5-related conditions. ClinVar contains an entry for this variant (Variation ID: 548622). Algorithms developed to predict the effect of missense changes on protein structure and function are either unavailable or do not agree on the potential impact of this missense change (SIFT: "Deleterious"; PolyPhen-2: "Possibly Damaging"; Align-GVGD: "Class C0"). In summary, the available evidence is currently insufficient to determine the role of this variant in disease. Therefore, it has been classified as a Variant of Uncertain Significance.

Genomic Research Center, Shahid Beheshti University of Medical Sciences
Classification: Uncertain significance for Microcephaly-intellectual disability-sensorineural hearing loss-epilepsy-abnormal muscle tone syndrome. Last evaluated: 2018-03-05. Review status: criteria provided, single submitter. Criteria: ACMG Guidelines, 2015. Collection method: clinical testing. Allele origin: inherited. Affected: no. Observed: 1 variant allele.